The following is an entry in ClinVar:

GRCh38/hg38 6q26-27(chr6:163122667-170671083)x1

Genes: AFDN (afadin, adherens junction formation factor; plus strand), AFDN-DT (AFDN divergent transcript; minus strand), C6orf118 (chromosome 6 open reading frame 118; minus strand), C6orf120 (chromosome 6 open reading frame 120; plus strand), CAHM (colon adenocarcinoma hypermethylated; minus strand) and 240 more. Cytogenetic location: 6q26-27.
Variant type: copy number loss.
Change: copy number 1 (one copy instead of two) of chr6:163,122,667-170,671,083 (7.55 Mb, GRCh38 coordinates, 1-based), cytogenetic band 6q26-27.
Identifiers: ClinVar variation 5038292 (VCV005038292.1).

ClinVar aggregate classification (germline): Pathogenic (1 of 4 stars; one submission).

Submission:

Clinical Genomics Laboratory, Laboratory for Precision Diagnostics, University of Washington
Classification: Pathogenic. Last evaluated: 2025-05-02. Review status: criteria provided, single submitter. Criteria: ACMG/ClinGen CNV Guidelines, 2019. Collection method: clinical testing. Allele origin: unknown. Affected: yes. Observed: 1 variant allele.
Comment: This terminal deletion is approximately 7.55 Mb in size and contains 32 protein-coding genes, one of which is DLL1. Heterozygous loss-of-function variants of DLL1, including the whole-gene deletions found in people with terminal deletions of chromosome 6q, cause a neurodevelopmental disorder with nonspecific brain anomalies. The specific manifestations vary, but ventriculomegaly and hydrocephalus are quite common. Hypotonia, developmental delays, seizures, and intellectual disability are also frequent.

Literature cited by the submitters: PubMed 31353024; PubMed 31602192; PubMed 30194807.